The following is an entry in ClinVar:

NM_001347721.2(DYRK1A):c.216G>A (p.Met72Ile)

Gene: DYRK1A (dual specificity tyrosine phosphorylation regulated kinase 1A; plus strand). Cytogenetic location: 21q22.13.
Variant type: single nucleotide variant.
Coding change: c.216G>A on transcript NM_001347721.2 (MANE Select); coding-DNA position 216, G replaced by A.
Protein change: p.Met72Ile; replaces methionine 72 with isoleucine.
Molecular consequence: missense variant.
Genome position (GRCh38, 1-based): chr21:37,478,216, G>A. VCF-style: chr21-37478216-G-A. GRCh37 (hg19) VCF-style: chr21-38850518-G-A.
Other names: c.216G>A, p.Met72Ile (NM_001347722.2, NM_130436.2); c.129G>A, p.Met43Ile (NM_001347723.2); c.243G>A, p.Met81Ile (NM_001396.5, NM_101395.2, NM_130438.2); short protein forms M43I, M72I, M81I.
Identifiers: ClinVar variation 1311336 (VCV001311336.2), dbSNP rs1481588592, ClinGen allele CA409943373.
Genomic context (GRCh38, chr21:37,478,216, plus strand): 5'-TGCTAGTCTTTTCTGTCTATTTAAGGTGATGCCTGATATTGTCATGTTACAGAGGCGGAT[G>A]CCCCAAACCTTCCGTGACCCAGCAACTGCTCCCCTGAGAAAACTTTCTGTTGACTTGATC-3'
Protein context (NP_001334650.1, residues 62-82): IQQPLTNQRR[Met72Ile]PQTFRDPATA

ClinVar aggregate classification (germline): Uncertain significance (1 of 4 stars; one submission).

Allele frequency attached by ClinVar (database versions not stated): gnomAD exomes below 0.00001.
gnomAD v4.1: 1 of 1,614,118 alleles (0.000062%); highest among the groups gnomAD compares: Non-Finnish European, 0.000085%; no homozygotes.

Submission:

GeneDx
Classification: Uncertain significance. Last evaluated: 2021-04-26. Review status: criteria provided, single submitter. Criteria: GeneDx Variant Classification Process June 2021. Collection method: clinical testing. Allele origin: germline. Affected: yes.
Comment: In silico analysis, which includes protein predictors and evolutionary conservation, supports that this variant does not alter protein structure/function; Has not been previously published as pathogenic or benign to our knowledge